The following is an entry in ClinVar:

NM_000245.4(MET):c.1142A>G (p.Asn381Ser)

Gene: MET (MET proto-oncogene, receptor tyrosine kinase; plus strand). Cytogenetic location: 7q31.2.
Variant type: single nucleotide variant.
Coding change: c.1142A>G on transcript NM_000245.4 (MANE Select); coding-DNA position 1142, A replaced by G.
Protein change: p.Asn381Ser; replaces asparagine 381 with serine.
Molecular consequence: missense variant. On other transcripts: intron variant (1).
Genome position (GRCh38, 1-based): chr7:116,700,226, A>G. VCF-style: chr7-116700226-A-G. GRCh37 (hg19) VCF-style: chr7-116340280-A-G.
Other names: c.1142A>G, p.Asn381Ser (NM_001324401.3, NM_001127500.3); c.-91+27649A>G (NM_001324402.2); short protein forms N381S.
Identifiers: ClinVar variation 2794769 (VCV002794769.3), dbSNP rs148526613, ClinGen allele CA368970633.

ClinVar aggregate classification (germline): Uncertain significance (1 of 4 stars; one submission).

Conditions:
Renal cell carcinoma. Identifiers: Orphanet 217071, MedGen C0007134, MeSH D002292, MONDO:0005086, HP:0005584.

Submission:

Labcorp Genetics (formerly Invitae), Labcorp
Classification: Uncertain significance for Renal cell carcinoma. Last evaluated: 2023-04-22. Review status: criteria provided, single submitter. Criteria: Invitae Variant Classification Sherloc (09022015). Collection method: clinical testing. Allele origin: germline.
Comment: In summary, the available evidence is currently insufficient to determine the role of this variant in disease. Therefore, it has been classified as a Variant of Uncertain Significance. Advanced modeling of protein sequence and biophysical properties (such as structural, functional, and spatial information, amino acid conservation, physicochemical variation, residue mobility, and thermodynamic stability) performed at Invitae indicates that this missense variant is not expected to disrupt MET protein function. This variant has not been reported in the literature in individuals affected with MET-related conditions. This variant is not present in population databases (gnomAD no frequency). This sequence change replaces asparagine, which is neutral and polar, with serine, which is neutral and polar, at codon 381 of the MET protein (p.Asn381Ser).